The following is an entry in ClinVar:

ClinVar aggregate classification (germline): Pathogenic (1 of 4 stars; one submission).

Conditions:
Mowat-Wilson syndrome (MOWS). Also called: Classic Mowat-Wilson Syndrome. Identifiers: Orphanet 2152, MedGen C1856113, MONDO:0009341, OMIM 235730.

Submission:

Variantyx, Inc.
Classification: Pathogenic for Mowat-Wilson syndrome. Last evaluated: 2025-05-12. Review status: criteria provided, single submitter. Criteria: Variantyx Assertion Criteria 2022. Collection method: clinical testing. Allele origin: de novo. Inheritance: Autosomal dominant inheritance. Affected: yes.
Comment: This is a frameshift variant in the ZEB2 gene (OMIM: 605802). Pathogenic variants in this gene have been associated with autosomal dominant Mowat-Wilson syndrome. This variant introduces a premature termination codon in exon 9 out of 10 and is expected to result in loss of function, which is a known disease mechanism for ZEB2 in this disorder (PMID:16053902, 15121779, 19842203) (PVS1). It has not been p[reviously reported in individuals with ZEB2-related disorders in the databases available for review, and it is absent from control populations (PM2). Based on the current evidence, this variant is classified as pathogenic for autosomal dominant Mowat-Wilson syndrome.

Literature cited by the submitters: PubMed 16053902; PubMed 15121779; PubMed 19842203.

NM_014795.4(ZEB2):c.3003_3045del (p.Leu1003fs)

Gene: ZEB2 (zinc finger E-box binding homeobox 2; minus strand). Cytogenetic location: 2q22.3.
Variant type: Deletion.
Coding change: c.3003_3045del on transcript NM_014795.4 (MANE Select); coding-DNA positions 3003 to 3045, 43 bases deleted.
Protein change: p.Leu1003fs; shifts the reading frame from leucine 1003.
Molecular consequence: frameshift variant.
Genome position (GRCh38, 1-based): chr2:144,396,434-144,396,476, 43 bases deleted; deleting any 43 consecutive bases within chr2:144,396,434-144,396,478 gives the same sequence; the c. name uses the placement nearest the transcript's 3' end. GRCh37 (hg19): chr2:145,154,003-145,154,045.
Other names: c.2931_2973del, p.Leu979fs (NM_001171653.2); short protein forms L1003fs, L979fs.
Identifiers: ClinVar variation 4852159 (VCV004852159.1).